The following is an entry in ClinVar:

ClinVar aggregate classification (germline): Uncertain significance (1 of 4 stars; one submission).

Allele frequency attached by ClinVar (database versions not stated): gnomAD exomes 0.00001; TOPMed 0.00001.
gnomAD v4.1: 11 of 1,613,852 alleles (0.00068%); highest among the groups gnomAD compares: Non-Finnish European, 0.00093%; no homozygotes.

Submission:

Labcorp Genetics (formerly Invitae), Labcorp
Classification: Uncertain significance. Last evaluated: 2022-08-18. Review status: criteria provided, single submitter. Criteria: Invitae Variant Classification Sherloc (09022015). Collection method: clinical testing. Allele origin: germline.
Comment: In summary, the available evidence is currently insufficient to determine the role of this variant in disease. Therefore, it has been classified as a Variant of Uncertain Significance. Advanced modeling of protein sequence and biophysical properties (such as structural, functional, and spatial information, amino acid conservation, physicochemical variation, residue mobility, and thermodynamic stability) performed at Invitae indicates that this missense variant is not expected to disrupt COL9A3 protein function. This variant has not been reported in the literature in individuals affected with COL9A3-related conditions. This variant is not present in population databases (gnomAD no frequency). This sequence change replaces proline, which is neutral and non-polar, with arginine, which is basic and polar, at codon 494 of the COL9A3 protein (p.Pro494Arg).

NM_001853.4(COL9A3):c.1481C>G (p.Pro494Arg)

Genes: COL9A3 (collagen type IX alpha 3 chain; plus strand), LOC126863084 (MED14-independent group 3 enhancer GRCh37_chr20:61467141-61468340; plus strand). Cytogenetic location: 20q13.33.
Variant type: single nucleotide variant.
Coding change: c.1481C>G on transcript NM_001853.4 (MANE Select); coding-DNA position 1481, C replaced by G.
Protein change: p.Pro494Arg; replaces proline 494 with arginine.
Molecular consequence: missense variant.
Genome position (GRCh38, 1-based): chr20:62,836,266, C>G. VCF-style: chr20-62836266-C-G. GRCh37 (hg19) VCF-style: chr20-61467618-C-G.
Other names: short protein forms P494R.
Identifiers: ClinVar variation 2198113 (VCV002198113.4), dbSNP rs942913014, ClinGen allele CA409597922.
Genomic context (GRCh38, chr20:62,836,266, plus strand): 5'-TGGGCCCCAAAGGCACCCAGGGTCCCAACGGCACCAGCGGTGTTCAGGGTGTCCCCGGGC[C>G]CCCCGGTCCTCTGGGCCTGCAGGGCGTCCCGGGTGTTCCTGGCATCACGGGGAAGCCGGG-3'
Protein context (NP_001844.3, residues 484-504): GTSGVQGVPG[Pro494Arg]PGPLGLQGVP